The following is an entry in ClinVar:

ClinVar aggregate classification (germline): Uncertain significance (1 of 4 stars; one submission).

Allele frequency attached by ClinVar (database versions not stated): gnomAD exomes below 0.00001.

Submission:

Labcorp Genetics (formerly Invitae), Labcorp
Classification: Uncertain significance. Last evaluated: 2022-06-25. Review status: criteria provided, single submitter. Criteria: Invitae Variant Classification Sherloc (09022015). Collection method: clinical testing. Allele origin: germline.
Comment: In summary, the available evidence is currently insufficient to determine the role of this variant in disease. Therefore, it has been classified as a Variant of Uncertain Significance. Algorithms developed to predict the effect of missense changes on protein structure and function are either unavailable or do not agree on the potential impact of this missense change (SIFT: "Not Available"; PolyPhen-2: "Benign"; Align-GVGD: "Not Available"). This variant has not been reported in the literature in individuals affected with SEC24D-related conditions. This variant is not present in population databases (gnomAD no frequency). This sequence change replaces lysine, which is basic and polar, with glutamic acid, which is acidic and polar, at codon 778 of the SEC24D protein (p.Lys778Glu).

NM_014822.4(SEC24D):c.2332A>G (p.Lys778Glu)

Gene: SEC24D (SEC24 homolog D, COPII component; minus strand). Cytogenetic location: 4q26.
Variant type: single nucleotide variant.
Coding change: c.2332A>G on transcript NM_014822.4 (MANE Select); coding-DNA position 2332, A replaced by G.
Protein change: p.Lys778Glu; replaces lysine 778 with glutamic acid.
Molecular consequence: missense variant.
Genome position (GRCh38, 1-based): chr4:118,739,194, T>C on the plus strand (A>G on the coding strand, the complement: SEC24D is on the minus strand). VCF-style: chr4-118739194-T-C. GRCh37 (hg19) VCF-style: chr4-119660349-T-C.
Other names: c.2335A>G, p.Lys779Glu (NM_001318066.2); short protein forms K778E, K779E.
Identifiers: ClinVar variation 1973082 (VCV001973082.5), dbSNP rs2530073484, ClinGen allele CA358006694.